The following is an entry in ClinVar:

NM_013444.4(UBQLN2):c.1573C>G (p.Pro525Ala)

Gene: UBQLN2 (ubiquilin 2; plus strand). Cytogenetic location: Xp11.21.
Variant type: single nucleotide variant.
Coding change: c.1573C>G on transcript NM_013444.4 (MANE Select); coding-DNA position 1573, C replaced by G.
Protein change: p.Pro525Ala; replaces proline 525 with alanine.
Molecular consequence: missense variant.
Genome position (GRCh38, 1-based): chrX:56,565,446, C>G. VCF-style: chrX-56565446-C-G. GRCh37 (hg19) VCF-style: chrX-56591879-C-G.
Other names: short protein forms P525A.
Identifiers: ClinVar variation 2145223 (VCV002145223.27), dbSNP rs369947678, ClinGen allele CA10430192.

ClinVar aggregate classification (germline): Uncertain significance. Review status: criteria provided, multiple submitters, no conflicts (2 of 4 stars). 3 submissions from 3 submitters: Uncertain significance (3). Last evaluated 2025-08-14.

Conditions:
UBQLN2-related disorder. Also called: UBQLN2-related condition.
Amyotrophic lateral sclerosis type 15. Also called: AMYOTROPHIC LATERAL SCLEROSIS 15 WITH FRONTOTEMPORAL DEMENTIA. Identifiers: Orphanet 803, MedGen C3275459, MONDO:0010459, OMIM 300857.

Submissions (3):

PreventionGenetics, part of Exact Sciences
Classification: Uncertain significance for UBQLN2-related condition. Last evaluated: 2025-08-14. Review status: criteria provided, single submitter. Criteria: ACMG Guidelines, 2015. Collection method: clinical testing. Allele origin: germline.
Comment: The UBQLN2 c.1573C>G variant is predicted to result in the amino acid substitution p.Pro525Ala. To our knowledge, this variant has not been reported in the literature. This variant is reported in 0.018% of alleles in individuals of East Asian descent in gnomAD. Although we suspect that this variant may be benign, at this time, the clinical significance of this variant is uncertain due to the absence of conclusive functional and genetic evidence.

Labcorp Genetics (formerly Invitae), Labcorp
Classification: Uncertain significance for Amyotrophic lateral sclerosis type 15. Last evaluated: 2024-11-11. Review status: criteria provided, single submitter. Criteria: Invitae Variant Classification Sherloc (09022015). Collection method: clinical testing. Allele origin: germline.
Comment: This sequence change replaces proline, which is neutral and non-polar, with alanine, which is neutral and non-polar, at codon 525 of the UBQLN2 protein (p.Pro525Ala). This variant is present in population databases (rs369947678, gnomAD 0.02%). This variant has not been reported in the literature in individuals affected with UBQLN2-related conditions. ClinVar contains an entry for this variant (Variation ID: 2145223). Experimental studies and prediction algorithms are not available or were not evaluated, and the functional significance of this variant is currently unknown. In summary, the available evidence is currently insufficient to determine the role of this variant in disease. Therefore, it has been classified as a Variant of Uncertain Significance.

CeGaT Center for Human Genetics Tuebingen
Classification: Uncertain significance. Last evaluated: 2024-02-01. Review status: criteria provided, single submitter. Criteria: CeGaT Center For Human Genetics Tuebingen Variant Classification Criteria Version 2. Collection method: clinical testing. Allele origin: germline. Affected: yes. Observed: 1 variant allele.
Comment: UBQLN2: PM5:Supporting, BP4